The following is an entry in ClinVar:

NC_000015.9:g.(?_48760115)_(48773997_?)dup

Gene: FBN1 (fibrillin 1; minus strand). Cytogenetic location: 15q21.1.
Variant type: Duplication.
Identifiers: ClinVar variation 3243733 (VCV003243733.1).

ClinVar aggregate classification (germline): Uncertain significance (1 of 4 stars; one submission).

Conditions:
Marfan syndrome (MFS). Also called: MARFAN SYNDROME, TYPE I; Marfan syndrome type 1; Marfan's syndrome; Marfan syndrome, classic; FBN1-Related Marfan Syndrome. Identifiers: Orphanet 284963, Orphanet 558, MedGen C0024796, MONDO:0007947, OMIM 154700.
Familial thoracic aortic aneurysm and aortic dissection (TAAD). Also called: Thoracic aortic aneurysms and dissections. Identifiers: Orphanet 91387, MedGen C4707243, MONDO:0019625.

Submission:

Labcorp Genetics (formerly Invitae), Labcorp
Classification: Uncertain significance for Marfan syndrome; Familial thoracic aortic aneurysm and aortic dissection. Last evaluated: 2023-09-22. Review status: criteria provided, single submitter. Criteria: Invitae Variant Classification Sherloc (09022015). Collection method: clinical testing. Allele origin: unknown.
Comment: This variant results in a copy number gain of the genomic region encompassing exon(s) 32-38 of the FBN1 gene. While the exact position of this variant cannot be determined from the data, sub-genic copy number gains are generally in tandem (PMID: 25640679). This variant is predicted to be in-frame, and likely preserves the integrity of the reading frame. A similar copy number variant has been observed in individual(s) with Marfan syndrome (Invitae). In summary, the available evidence is currently insufficient to determine the role of this variant in disease. Therefore, it has been classified as a Variant of Uncertain Significance.

Literature cited by the submitters: PubMed 25640679.